The following is an entry in ClinVar:

NM_001257291.2(SLC9A7):c.988A>G (p.Ile330Val)

Gene: SLC9A7 (solute carrier family 9 member A7; minus strand). Cytogenetic location: Xp11.3.
Variant type: single nucleotide variant.
Coding change: c.988A>G on transcript NM_001257291.2 (MANE Select); coding-DNA position 988, A replaced by G.
Protein change: p.Ile330Val; replaces isoleucine 330 with valine.
Molecular consequence: missense variant.
Genome position (GRCh38, 1-based): chrX:46,662,069, T>C on the plus strand (A>G on the coding strand, the complement: SLC9A7 is on the minus strand). VCF-style: chrX-46662069-T-C. GRCh37 (hg19) VCF-style: chrX-46521504-T-C.
Other names: c.988A>G, p.Ile330Val (NM_032591.3); short protein forms I330V.
Identifiers: ClinVar variation 1878558 (VCV001878558.1), dbSNP rs2519540343, ClinGen allele CA413036539.
Genomic context (GRCh38, chrX:46,662,069, plus strand): 5'-AGGATATTAGAGCAGTCACAACACCAGTCACAGCTCCCATGGTAAAAGAGCCACTAAATA[T>C]ACCTAGAAAAATGCCAACTGACTTAAAAAAGGCAGCAGCATCAAAGGCGTGAGTGTTCAG-3'
Protein context (NP_001244220.1, residues 320-340): FFKSVGIFLG[Ile330Val]FSGSFTMGAV

ClinVar aggregate classification (germline): Uncertain significance (1 of 4 stars; one submission).

Conditions:
Intellectual developmental disorder, X-linked 108. Also called: MENTAL RETARDATION, X-LINKED 108. Identifiers: MedGen C5193009, MONDO:0026723, OMIM 301024.

Submission:

Neuberg Centre For Genomic Medicine, NCGM
Classification: Uncertain significance for Intellectual developmental disorder, X-linked 108. Review status: criteria provided, single submitter. Criteria: ACMG Guidelines, 2015. Collection method: clinical testing. Allele origin: germline. Affected: yes.
Comment: The amino acid Ile at position 330 is changed to a Val changing protein sequence and it might alter its composition and physico-chemical properties. This variant has not been reported in affected individuals. In silico tools predict the variant to be tolerated. The residue is conserved across species. The amino acid change p.Ile330Val in SLC9A7 is predicted as conserved by GERP++ and PhyloP across 100 vertebrates. The p.Ile330Val variant is novel (not in any individuals) in gnomAD Exomes and 1000 Genomes. This variant is classified as uncertain significance as per ACMG guidelines.